The following is an entry in ClinVar:

NM_006231.4(POLE):c.5181G>A (p.Val1727=)

Gene: POLE (DNA polymerase epsilon, catalytic subunit; minus strand). Cytogenetic location: 12q24.33.
Variant type: single nucleotide variant.
Coding change: c.5181G>A on transcript NM_006231.4 (MANE Select); coding-DNA position 5181, G replaced by A.
Protein change: p.Val1727=; no amino-acid change (valine 1727 retained).
Molecular consequence: synonymous variant.
Genome position (GRCh38, 1-based): chr12:132,641,844, C>T on the plus strand (G>A on the coding strand, the complement: POLE is on the minus strand). VCF-style: chr12-132641844-C-T. GRCh37 (hg19) VCF-style: chr12-133218430-C-T.
Identifiers: ClinVar variation 388716 (VCV000388716.17), dbSNP rs1057523212, ClinGen allele CA16606506.

ClinVar aggregate classification (germline): Conflicting classifications of pathogenicity. Review status: criteria provided, conflicting classifications (1 of 4 stars). 3 submissions from 3 submitters: Uncertain significance (1); Likely benign (2). Last evaluated 2025-12-10.

Conditions:
Hereditary cancer-predisposing syndrome. Also called: Hereditary Cancer Syndrome; Hereditary neoplastic syndrome; Neoplastic Syndromes, Hereditary; Tumor predisposition. Identifiers: Orphanet 140162, MedGen C0027672, MeSH D009386, MONDO:0015356.

Allele frequency attached by ClinVar (database versions not stated): gnomAD 0.00001; gnomAD exomes 0.00001; TOPMed 0.00001.
gnomAD v4.1: 16 of 1,599,780 alleles (0.001%); highest among the groups gnomAD compares: Non-Finnish European, 0.0012%; no homozygotes.

Submissions (3):

Labcorp Genetics (formerly Invitae), Labcorp
Classification: Likely benign. Last evaluated: 2025-12-10. Review status: criteria provided, single submitter. Criteria: Invitae Variant Classification Sherloc (09022015). Collection method: clinical testing. Allele origin: germline.

GeneDx
Classification: Uncertain significance. Last evaluated: 2023-08-24. Review status: criteria provided, single submitter. Criteria: GeneDx Variant Classification Process June 2021. Collection method: clinical testing. Allele origin: germline. Affected: yes.
Comment: Not observed at significant frequency in large population cohorts (gnomAD); Has not been previously published as pathogenic or benign to our knowledge; In silico analysis suggests this variant may impact gene splicing. In the absence of RNA/functional studies, the actual effect of this sequence change is unknown.

Ambry Genetics
Classification: Likely benign for Hereditary cancer-predisposing syndrome. Last evaluated: 2015-11-13. Review status: criteria provided, single submitter. Criteria: Ambry Variant Classification Scheme 2023. Collection method: clinical testing. Allele origin: germline.